The following is an entry in ClinVar:

ClinVar aggregate classification (germline): Uncertain significance (1 of 4 stars; one submission).

Conditions:
Hypertrophic cardiomyopathy. Also called: HYPERTROPHIC MYOCARDIOPATHY. Identifiers: Orphanet 217569, MedGen C0007194, MeSH D002312, MONDO:0005045, HP:0001639.

Submission:

Labcorp Genetics (formerly Invitae), Labcorp
Classification: Uncertain significance for Hypertrophic cardiomyopathy. Last evaluated: 2021-07-06. Review status: criteria provided, single submitter. Criteria: Invitae Variant Classification Sherloc (09022015). Collection method: clinical testing. Allele origin: germline.
Comment: In summary, the available evidence is currently insufficient to determine the role of this variant in disease. Therefore, it has been classified as a Variant of Uncertain Significance. This sequence change replaces aspartic acid with histidine at codon 587 of the MYBPC3 protein (p.Asp587His). The aspartic acid residue is highly conserved and there is a moderate physicochemical difference between aspartic acid and histidine. This variant is not present in population databases (ExAC no frequency). This variant has been observed in individual(s) with hypertrophic cardiomyopathy (PMID: 23782526). Algorithms developed to predict the effect of missense changes on protein structure and function (SIFT, PolyPhen-2, Align-GVGD) all suggest that this variant is likely to be disruptive.

Literature cited by the submitters: PubMed 23782526.

NM_000256.3(MYBPC3):c.1759G>C (p.Asp587His)

Gene: MYBPC3 (myosin binding protein C3; minus strand). Cytogenetic location: 11p11.2.
Variant type: single nucleotide variant.
Coding change: c.1759G>C on transcript NM_000256.3 (MANE Select); coding-DNA position 1759, G replaced by C.
Protein change: p.Asp587His; replaces aspartic acid 587 with histidine.
Molecular consequence: missense variant.
Genome position (GRCh38, 1-based): chr11:47,342,022, C>G on the plus strand (G>C on the coding strand, the complement: MYBPC3 is on the minus strand). VCF-style: chr11-47342022-C-G. GRCh37 (hg19) VCF-style: chr11-47363573-C-G.
Other names: short protein forms D587H.
Identifiers: ClinVar variation 1478840 (VCV001478840.8), dbSNP rs730880526, ClinGen allele CA380324216.